The following is an entry in ClinVar:

ClinVar aggregate classification (germline): Uncertain significance. Review status: criteria provided, multiple submitters, no conflicts (2 of 4 stars). 5 submissions from 4 submitters: Uncertain significance (5). Last evaluated 2024-06-27.

Conditions:
Deficiency of steroid 11-beta-monooxygenase (CYP11B1). Also called: Congenital adrenal hyperplasia due to 11-beta-hydroxylase deficiency; ADRENAL HYPERPLASIA, CONGENITAL, DUE TO STEROID 11-BETA-HYDROXYLASE DEFICIENCY; STEROID 11-BETA-HYDROXYLASE DEFICIENCY; ADRENAL HYPERPLASIA IV; 11-BETA-HYDROXYLASE DEFICIENCY; P450C11B1 DEFICIENCY. Identifiers: Orphanet 90795, MedGen C0268292, MONDO:0008729, OMIM 202010. Disease mechanism: loss of function.
Glucocorticoid-remediable aldosteronism. Also called: FH I; GLUCOCORTICOID-SUPPRESSIBLE HYPERALDOSTERONISM; Hyperaldosteronism, familial, type I; ACTH-DEPENDENT HYPERALDOSTERONISM SYNDROME; ALDOSTERONISM, SENSITIVE TO DEXAMETHASONE. Identifiers: Orphanet 403, MedGen C3838731, MONDO:0007080, OMIM 103900.

Allele frequency attached by ClinVar (database versions not stated): gnomAD 0.00001; gnomAD exomes 0.00003; TOPMed 0.00003.

Submissions (5):

Women's Health and Genetics/Laboratory Corporation of America, LabCorp
Classification: Uncertain significance. Last evaluated: 2024-06-27. Review status: criteria provided, single submitter. Criteria: LabCorp Variant Classification Summary - May 2015. Collection method: clinical testing. Allele origin: germline.
Comment: Variant summary: CYP11B1 c.413G>A (p.Arg138His) results in a non-conservative amino acid change in the encoded protein sequence. Three of five in-silico tools predict a benign effect of the variant on protein function. The variant allele was found at a frequency of 2.9e-05 in 1613446 control chromosomes. This frequency is not significantly higher than estimated for a pathogenic variant in CYP11B1 causing Congenital Adrenal Hyperplasia (2.9e-05 vs 0.002), allowing no conclusion about variant significance. To our knowledge, no occurrence of c.413G>A in individuals affected with Congenital Adrenal Hyperplasia and no experimental evidence demonstrating its impact on protein function have been reported. ClinVar contains an entry for this variant (Variation ID: 35989). Based on the evidence outlined above, the variant was classified as uncertain significance.

Fulgent Genetics
Classification: Uncertain significance for Glucocorticoid-remediable aldosteronism; Deficiency of steroid 11-beta-monooxygenase. Last evaluated: 2023-12-23. Review status: criteria provided, single submitter. Criteria: ACMG Guidelines, 2015. Collection method: clinical testing. Allele origin: germline.

Labcorp Genetics (formerly Invitae), Labcorp
Classification: Uncertain significance. Last evaluated: 2023-12-07. Review status: criteria provided, single submitter. Criteria: Invitae Variant Classification Sherloc (09022015). Collection method: clinical testing. Allele origin: germline.
Comment: This sequence change replaces arginine, which is basic and polar, with histidine, which is basic and polar, at codon 138 of the CYP11B1 protein (p.Arg138His). This variant is not present in population databases (gnomAD no frequency). This variant has not been reported in the literature in individuals affected with CYP11B1-related conditions. ClinVar contains an entry for this variant (Variation ID: 35989). Advanced modeling of protein sequence and biophysical properties (such as structural, functional, and spatial information, amino acid conservation, physicochemical variation, residue mobility, and thermodynamic stability) performed at Invitae indicates that this missense variant is not expected to disrupt CYP11B1 protein function with a negative predictive value of 95%. This variant disrupts the p.Arg138 amino acid residue in CYP11B1. Other variant(s) that disrupt this residue have been determined to be pathogenic (PMID: 23940125, 33275286). This suggests that this residue is clinically significant, and that variants that disrupt this residue are likely to be disease-causing. In summary, the available evidence is currently insufficient to determine the role of this variant in disease. Therefore, it has been classified as a Variant of Uncertain Significance.

Illumina Laboratory Services, Illumina
Classification: Uncertain significance for Deficiency of steroid 11-beta-monooxygenase. Last evaluated: 2017-04-28. Review status: criteria provided, single submitter. Criteria: ICSL Variant Classification Criteria 13 December 2019. Collection method: clinical testing. Allele origin: germline.

Illumina Laboratory Services, Illumina
Classification: Uncertain significance for Glucocorticoid-remediable aldosteronism. Last evaluated: 2017-04-28. Review status: criteria provided, single submitter. Criteria: ICSL Variant Classification Criteria 13 December 2019. Collection method: clinical testing. Allele origin: germline.

Literature cited by the submitters: PubMed 23940125 (cited by Labcorp Genetics (formerly Invitae), Labcorp); PubMed 33275286 (cited by Labcorp Genetics (formerly Invitae), Labcorp).

NM_000497.4(CYP11B1):c.413G>A (p.Arg138His)

Genes: CYP11B1 (cytochrome P450 family 11 subfamily B member 1; minus strand), LOC106799833 (CYP11B1 recombination region; plus strand). Cytogenetic location: 8q24.3.
Variant type: single nucleotide variant.
Coding change: c.413G>A on transcript NM_000497.4 (MANE Select); coding-DNA position 413, G replaced by A.
Protein change: p.Arg138His; replaces arginine 138 with histidine.
Molecular consequence: missense variant.
Genome position (GRCh38, 1-based): chr8:142,877,205, C>T on the plus strand (G>A on the coding strand, the complement: CYP11B1 is on the minus strand). VCF-style: chr8-142877205-C-T. GRCh37 (hg19) VCF-style: chr8-143958621-C-T.
Other names: c.413G>A, p.Arg138His (NM_001026213.1); short protein forms R138H.
Identifiers: ClinVar variation 35989 (VCV000035989.9), dbSNP rs193922540, ClinGen allele CA213668.